The following is an entry in ClinVar:

ClinVar aggregate classification (germline): Pathogenic (1 of 4 stars; one submission).

Conditions:
Ehlers-Danlos syndrome, kyphoscoliotic type 1 (EDSKSCL1). Also called: EHLERS-DANLOS SYNDROME, TYPE VIA; PLOD1-Related Kyphoscoliotic Ehlers-Danlos Syndrome; Ehlers-Danlos syndrome, hydroxylysine-deficient; EHLERS-DANLOS SYNDROME, OCULAR-SCOLIOTIC TYPE. Identifiers: Orphanet 1900, MedGen C0268342, MONDO:0016002, OMIM 225400. Disease mechanism: loss of function.

Allele frequency attached by ClinVar (database versions not stated): gnomAD exomes below 0.00001.

Submission:

Labcorp Genetics (formerly Invitae), Labcorp
Classification: Pathogenic for Ehlers-Danlos syndrome, kyphoscoliotic type 1. Last evaluated: 2023-11-28. Review status: criteria provided, single submitter. Criteria: Invitae Variant Classification Sherloc (09022015). Collection method: clinical testing. Allele origin: germline.
Comment: This sequence change creates a premature translational stop signal (p.Asn52Glnfs*52) in the PLOD1 gene. It is expected to result in an absent or disrupted protein product. Loss-of-function variants in PLOD1 are known to be pathogenic (PMID: 10874315, 21699693). This variant is not present in population databases (gnomAD no frequency). This premature translational stop signal has been observed in individual(s) with Ehlers-Danlos syndrome (PMID: 10502784). This variant is also known as an insertion of a C nucleotide in exon 2. For these reasons, this variant has been classified as Pathogenic.

Literature cited by the submitters: PubMed 10874315; PubMed 21699693; PubMed 10502784.

NM_000302.4(PLOD1):c.153dup (p.Asn52fs)

Gene: PLOD1 (procollagen-lysine,2-oxoglutarate 5-dioxygenase 1; plus strand). Cytogenetic location: 1p36.22.
Variant type: Duplication.
Coding change: c.153dup on transcript NM_000302.4 (MANE Select); coding-DNA position 153, one base duplicated (C; older notation c.153dupC).
Protein change: p.Asn52fs; shifts the reading frame from asparagine 52.
Molecular consequence: frameshift variant.
Genome position (GRCh38, 1-based): chr1:11,948,052, C duplicated. VCF-style (leftmost placement, unchanged base first): chr1-11948051-T-TC. GRCh37 (hg19) VCF-style: chr1-12008108-T-TC.
Other names: c.294dup, p.Asn99fs (NM_001316320.2); short protein forms N52fs, N99fs.
Identifiers: ClinVar variation 2733827 (VCV002733827.3), dbSNP rs2522799594, ClinGen allele CA2586966085.